The following is an entry in ClinVar:

ClinVar aggregate classification (germline): Uncertain significance (1 of 4 stars; one submission).

gnomAD v4.1: 2 of 1,612,460 alleles (0.00012%); highest among the groups gnomAD compares: Admixed American, 0.0033%; no homozygotes.

Submission:

GeneDx
Classification: Uncertain significance. Last evaluated: 2023-07-25. Review status: criteria provided, single submitter. Criteria: GeneDx Variant Classification Process June 2021. Collection method: clinical testing. Allele origin: germline. Affected: yes.
Comment: Not observed at significant frequency in large population cohorts (gnomAD); In silico analysis supports that this missense variant does not alter protein structure/function; Has not been previously published as pathogenic or benign to our knowledge

NM_001278064.2(GRM1):c.3149C>T (p.Ala1050Val)

Gene: GRM1 (glutamate metabotropic receptor 1; plus strand). Cytogenetic location: 6q24.3.
Variant type: single nucleotide variant.
Coding change: c.3149C>T on transcript NM_001278064.2 (MANE Select); coding-DNA position 3149, C replaced by T.
Protein change: p.Ala1050Val; replaces alanine 1050 with valine.
Molecular consequence: missense variant. On other transcripts: 3 prime UTR variant (3).
Genome position (GRCh38, 1-based): chr6:146,434,360, C>T. VCF-style: chr6-146434360-C-T. GRCh37 (hg19) VCF-style: chr6-146755496-C-T.
Other names: c.*513C>T (NM_001278065.2); c.*478C>T (NM_001278066.1); c.*387C>T (NM_001278067.1); short protein forms A1050V.
Identifiers: ClinVar variation 3361424 (VCV003361424.1).